The following is an entry in ClinVar:

NM_004360.5(CDH1):c.2253C>T (p.Asn751=)

Gene: CDH1 (cadherin 1; plus strand). Cytogenetic location: 16q22.1.
Variant type: single nucleotide variant.
Coding change: c.2253C>T on transcript NM_004360.5 (MANE Select); coding-DNA position 2253, C replaced by T.
Protein change: p.Asn751=; no amino-acid change (asparagine 751 retained).
Molecular consequence: synonymous variant.
Genome position (GRCh38, 1-based): chr16:68,828,262, C>T. VCF-style: chr16-68828262-C-T. GRCh37 (hg19) VCF-style: chr16-68862165-C-T.
Other names: c.2070C>T, p.Asn690= (NM_001317184.2); c.705C>T, p.Asn235= (NM_001317185.2); c.288C>T, p.Asn96= (NM_001317186.2); c.2253C>T (NM_004360.4, LRG_301t1).
Identifiers: ClinVar variation 142145 (VCV000142145.53), dbSNP rs33964119, ClinGen allele CA167533.
Genomic context (GRCh38, chr16:68,828,262, plus strand): 5'-TCGGAGGAGAGCGGTGGTCAAAGAGCCCTTACTGCCCCCAGAGGATGACACCCGGGACAA[C>T]GTTTATTACTATGATGAAGAAGGAGGCGGAGAAGAGGACCAGGTGGGTTTTGAAAACCTT-3'
Protein context (NP_004351.1, residues 741-761): LLPPEDDTRD[Asn751=]VYYYDEEGGG

ClinVar aggregate classification (germline): Benign. Review status: reviewed by expert panel (3 of 4 stars). 19 submissions from 18 submitters: Benign (1). 18 of the submissions do not count toward it. Last evaluated 2023-08-10.

Conditions:
CDH1-related diffuse gastric and lobular breast cancer syndrome. Also called: CDH1-related diffuse gastric and lobular breast cancer. Identifiers: MedGen CN311521, MONDO:0100488.
Hereditary cancer-predisposing syndrome. Also called: Neoplastic Syndromes, Hereditary; Hereditary neoplastic syndrome; Hereditary Cancer Syndrome; Tumor predisposition. Identifiers: Orphanet 140162, MedGen C0027672, MeSH D009386, MONDO:0015356.
Hereditary diffuse gastric adenocarcinoma (HDGC). Also called: DIFFUSE GASTRIC AND LOBULAR BREAST CANCER SYNDROME. Identifiers: Orphanet 26106, MedGen C1708349, MONDO:0007648, OMIM 137215.
Prostate cancer. Also called: Malignant tumor of prostate. Identifiers: Orphanet 1331, MedGen C0376358, MONDO:0008315, HP:0012125.
Malignant tumor of breast. Also called: Malignant breast neoplasm; Cancer breast. Identifiers: MedGen C0006142, MONDO:0007254. Disease mechanism: loss of function.

Allele frequency attached by ClinVar (database versions not stated): gnomAD 0.03869 and 0.03942; ESP Exome Variant Server 0.03755; TOPMed 0.04485; 1000 Genomes Project 0.05451; gnomAD exomes 0.03305 and 0.04291; ExAC 0.03955; 1000 Genomes Project 30x 0.05606.
gnomAD v4.1: 54,268 of 1,613,832 alleles (3.4%); highest among the groups gnomAD compares: Admixed American, 8.8%; 1,173 homozygotes.

Submissions (19):

Clingen Gastric Cancer Variant Curation Expert Panel
Classification: Benign for CDH1-related diffuse gastric and lobular breast cancer syndrome. Last evaluated: 2023-08-10. Review status: reviewed by expert panel. Criteria: ClinGen CDH1 ACMG Specifications V3.1. Collection method: curation. Allele origin: germline. Inheritance: Autosomal dominant inheritance.
Comment: The NM_004360.5(CDH1):c.2253C>T (p.Asn751=) variant has an allele frequency of 0.10006 (10%, 3546/35438 alleles, 185 homozygotes) in the Latino subpopulation of the gnomAD v2.1.1 cohort (BA1; BP2). Therefore, this variant meets criteria to be classified as benign. ACMG/AMP criteria applied, as specified by the CDH1 Variant Curation Expert Panel (Variant Interpretation Guidelines Version 3.1): BA1, BP2.

Labcorp Genetics (formerly Invitae), Labcorp
Classification: Benign for Hereditary diffuse gastric adenocarcinoma. Last evaluated: 2026-02-04. Review status: criteria provided, single submitter. Criteria: Invitae Variant Classification Sherloc (09022015). Collection method: clinical testing. Allele origin: germline. Not counted in ClinVar's aggregate classification.

ARUP Laboratories, Molecular Genetics and Genomics, ARUP Laboratories
Classification: Benign. Last evaluated: 2025-07-23. Review status: criteria provided, single submitter. Criteria: ARUP Molecular Germline Variant Investigation Process 2024. Collection method: clinical testing. Allele origin: germline. Not counted in ClinVar's aggregate classification.

Center for Genomic Medicine, Rigshospitalet, Copenhagen University Hospital
Classification: Benign. Last evaluated: 2025-03-04. Review status: criteria provided, single submitter. Criteria: ACMG Guidelines, 2015. Collection method: clinical testing. Allele origin: germline. Not counted in ClinVar's aggregate classification.

KCCC/NGS Laboratory, Kuwait Cancer Control Center
Classification: Benign for Hereditary diffuse gastric adenocarcinoma. Last evaluated: 2025-02-01. Review status: criteria provided, single submitter. Criteria: ACMG Guidelines, 2015. Collection method: clinical testing. Allele origin: germline. Affected: no. Not counted in ClinVar's aggregate classification.

Blueprint Genetics
Classification: Benign. Last evaluated: 2024-11-27. Review status: criteria provided, single submitter. Criteria: ACMG Guidelines, 2015. Collection method: clinical testing. Allele origin: germline. Not counted in ClinVar's aggregate classification.

Myriad Genetics, Inc.
Classification: Benign for Hereditary diffuse gastric adenocarcinoma. Last evaluated: 2024-09-23. Review status: criteria provided, single submitter. Criteria: Myriad Autosomal Dominant, Autosomal Recessive and X-Linked Classification Criteria (2023). Collection method: clinical testing. Allele origin: unknown. Not counted in ClinVar's aggregate classification.
Comment: This variant is considered benign. This variant is a silent/synonymous amino acid change and it is not expected to impact splicing.

KCCC/NGS Laboratory, Kuwait Cancer Control Center
Classification: Benign for Familial prostate cancer. Last evaluated: 2023-07-07. Review status: criteria provided, single submitter. Criteria: ACMG Guidelines, 2015. Collection method: clinical testing. Allele origin: germline. Affected: yes. Not counted in ClinVar's aggregate classification.

Illumina Laboratory Services, Illumina
Classification: Benign for Hereditary diffuse gastric adenocarcinoma. Last evaluated: 2018-01-13. Review status: criteria provided, single submitter. Criteria: ICSL Variant Classification Criteria 13 December 2019. Collection method: clinical testing. Allele origin: germline. Not counted in ClinVar's aggregate classification.
Comment: This variant was observed in the ICSL laboratory as part of a predisposition screen in an ostensibly healthy population. It had not been previously curated by ICSL or reported in the Human Gene Mutation Database (HGMD: prior to June 1st, 2018), and was therefore a candidate for classification through an automated scoring system. Utilizing variant allele frequency, disease prevalence and penetrance estimates, and inheritance mode, an automated score was calculated to assess if this variant is too frequent to cause the disease. Based on the score and internal cut-off values, a variant classified as benign is not then subjected to further curation. The score for this variant resulted in a classification of benign for this disease.

Color Diagnostics, LLC DBA Color Health
Classification: Benign for Hereditary cancer-predisposing syndrome. Last evaluated: 2015-04-02. Review status: criteria provided, single submitter. Criteria: ACMG Guidelines, 2015. Collection method: clinical testing. Allele origin: germline. Not counted in ClinVar's aggregate classification.

GeneDx
Classification: Benign. Last evaluated: 2015-03-03. Review status: criteria provided, single submitter. Criteria: GeneDx Variant Classification Process June 2021. Collection method: clinical testing. Allele origin: germline. Affected: yes. Not counted in ClinVar's aggregate classification.

Ambry Genetics
Classification: Benign for Hereditary cancer-predisposing syndrome. Last evaluated: 2014-11-18. Review status: criteria provided, single submitter. Criteria: Ambry Variant Classification Scheme 2023. Collection method: clinical testing. Allele origin: germline. Not counted in ClinVar's aggregate classification.

Mayo Clinic Laboratories, Mayo Clinic
Classification: Benign. Last evaluated: 2013-10-07. Review status: criteria provided, single submitter. Criteria: ACMG Guidelines, 2015. Collection method: clinical testing. Allele origin: germline. Observed: 102 variant alleles. Not counted in ClinVar's aggregate classification.

Breakthrough Genomics
Classification: Benign. Review status: criteria provided, single submitter. Criteria: ACMG Guidelines, 2015. Collection method: not provided. Allele origin: germline. Inheritance: Autosomal dominant inheritance. Affected: yes. Not counted in ClinVar's aggregate classification.

PreventionGenetics, part of Exact Sciences
Classification: Benign. Review status: criteria provided, single submitter. Criteria: ACMG Guidelines, 2015. Collection method: clinical testing. Allele origin: germline. Not counted in ClinVar's aggregate classification.

Clinical Genetics, Academic Medical Center
Classification: Benign. Review status: no assertion criteria provided. Collection method: clinical testing. Allele origin: germline. Affected: yes. Study: VKGL Data-share Consensus. Not counted in ClinVar's aggregate classification.

Department of Pathology and Laboratory Medicine, Sinai Health System
Classification: Benign for Malignant tumor of breast. Review status: no assertion criteria provided. Collection method: clinical testing. Allele origin: unknown. Affected: yes. Study: The Canadian Open Genetics Repository (COGR). Not counted in ClinVar's aggregate classification.
Comment: The CDH1 p.Asn751Asn variant was identified in 57 of 2080 proband chromosomes (frequency: 0.0274038461538462) from individuals or families with gastric cancer (Becker 1994, Berx 1997, Chen 2013, Chu 2014, Fang 2013, Zhang 2006). The variant was also identified in dbSNP (rs: rs33964119) with benign allele, ClinVar (4x as benign), Cosmic (as neutral), and the Zhejiang Colon Cancer Database (4x). The variant was not identified in MutDB, or Insight Colon Cancer Gene Variant Database. The variant was identified in control databases in 11569 of 277194 chromosomes at a frequency of 0.041736 increasing the likelihood this could be a low frequency benign variant (Genome Aggregation Consortium Feb 27, 2017). The variant was identified in the following populations at a frequency greater than 1%: Latino in 3462 (181 homozygous) of 34416 chromosomes (freq: 0.101), East Asian in 1459 (64 homozygous) of 18858 chromosomes (freq: 0.077), African in 1243 (39 homozygous) of 24026 chromosomes (freq: 0.052), South Asian in 1355 (48 homozygous) of 30782 chromosomes (freq: 0.044), Other in 232 (5 homozygous) of 6468 chromosomes (freq: 0.036), European (Non-Finnish) in 3253 (38 homozygous) of 126698 chromosomes (freq: 0.026), European (Finnish) in 448 of 25794 chromosomes (freq: 0.017). In addition, several studies classify the variant as a benign polymorphism (Berx 1997, Chen 2013, Chu 2014, Milne 2007). The p.Asn751Asn variant is not expected to have clinical significance because it does not result in a change of amino acid and is not located in a known consensus splice site. In addition, in silico or computational prediction software programs (SpliceSiteFinder, MaxEntScan, NNSPLICE, GeneSplicer, HumanSpliceFinder) do not predict a difference in splicing. In summary, based on the above information this variant meets our laboratory's criteria to be classified as benign.

Joint Genome Diagnostic Labs from Nijmegen and Maastricht, Radboudumc and MUMC+
Classification: Benign. Review status: no assertion criteria provided. Collection method: clinical testing. Allele origin: germline. Affected: yes. Study: VKGL Data-share Consensus. Not counted in ClinVar's aggregate classification.

Laboratory of Diagnostic Genome Analysis, Leiden University Medical Center (LUMC)
Classification: Benign. Review status: no assertion criteria provided. Collection method: clinical testing. Allele origin: germline. Affected: yes. Study: VKGL Data-share Consensus. Not counted in ClinVar's aggregate classification.